The following is an entry in ClinVar:

NM_014920.5(CILK1):c.736T>G (p.Leu246Val)

Gene: CILK1 (ciliogenesis associated kinase 1; minus strand). Cytogenetic location: 6p12.1.
Variant type: single nucleotide variant.
Coding change: c.736T>G on transcript NM_014920.5 (MANE Select); coding-DNA position 736, T replaced by G.
Protein change: p.Leu246Val; replaces leucine 246 with valine.
Molecular consequence: missense variant. On other transcripts: non-coding transcript variant (1).
Genome position (GRCh38, 1-based): chr6:53,016,178, A>C on the plus strand (T>G on the coding strand, the complement: CILK1 is on the minus strand). VCF-style: chr6-53016178-A-C. GRCh37 (hg19) VCF-style: chr6-52880976-A-C.
Other names: c.736T>G, p.Leu246Val (NM_001375397.1, NM_001375398.1, NM_001375399.1 and 4 more transcripts); short protein forms L246V.
Identifiers: ClinVar variation 4981494 (VCV004981494.1).

ClinVar aggregate classification (germline): Uncertain significance (1 of 4 stars; one submission).

Conditions:
CILK1-related disorder. Also called: CILK1-related condition.

gnomAD v4.1: 8 of 1,614,004 alleles (0.0005%); highest among the groups gnomAD compares: Non-Finnish European, 0.00059%; no homozygotes.

Submission:

PreventionGenetics, part of Exact Sciences
Classification: Uncertain significance for CILK1-related condition. Last evaluated: 2026-02-23. Review status: criteria provided, single submitter. Criteria: ACMG Guidelines, 2015. Collection method: clinical testing. Allele origin: germline.
Comment: The CILK1 c.736T>G variant is predicted to result in the amino acid substitution p.Leu246Val. To our knowledge, this variant has not been reported in the literature. This variant is reported in 0.0015% of alleles in individuals of European (Non-Finnish) descent in gnomAD. At this time, the clinical significance of this variant is uncertain due to the absence of conclusive functional and genetic evidence.